The following is an entry in ClinVar:

ClinVar aggregate classification (germline): Uncertain significance (1 of 4 stars; one submission).

Submission:

Ambry Genetics
Classification: Uncertain significance. Last evaluated: 2020-09-23. Review status: criteria provided, single submitter. Criteria: Ambry Variant Classification Scheme 2023. Collection method: clinical testing. Allele origin: germline.
Comment: The p.V12L variant (also known as c.34G>T), located in coding exon 1 of the KIF1B gene, results from a G to T substitution at nucleotide position 34. The valine at codon 12 is replaced by leucine, an amino acid with highly similar properties. This amino acid position is highly conserved in available vertebrate species. In addition, this alteration is predicted to be deleterious by in silico analysis. Since supporting evidence is limited at this time, the clinical significance of this alteration remains unclear.

NM_001365951.3(KIF1B):c.34G>T (p.Val12Leu)

Genes: KIF1B (kinesin family member 1B; plus strand), LOC129388446 (MPRA-validated peak64 silencer; plus strand). Cytogenetic location: 1p36.22.
Variant type: single nucleotide variant.
Coding change: c.34G>T on transcript NM_001365951.3 (MANE Select); coding-DNA position 34, G replaced by T.
Protein change: p.Val12Leu; replaces valine 12 with leucine.
Molecular consequence: missense variant.
Genome position (GRCh38, 1-based): chr1:10,232,362, G>T. VCF-style: chr1-10232362-G-T. GRCh37 (hg19) VCF-style: chr1-10292420-G-T.
Other names: c.34G>T, p.Val12Leu (NM_001365952.1, NM_001365953.1, NM_015074.3 and 1 more transcripts); short protein forms V12L.
Identifiers: ClinVar variation 1732055 (VCV001732055.2), dbSNP rs2523352650, ClinGen allele CA338315778.